The following is an entry in ClinVar:

NM_014141.6(CNTNAP2):c.-32C>T

Gene: CNTNAP2 (contactin associated protein 2; plus strand). Cytogenetic location: 7q35.
Variant type: single nucleotide variant.
Coding change: c.-32C>T on transcript NM_014141.6 (MANE Select); 32 bases upstream of the start codon, C replaced by T.
Molecular consequence: 5 prime UTR variant.
Genome position (GRCh38, 1-based): chr7:146,116,845, C>T. VCF-style: chr7-146116845-C-T. GRCh37 (hg19) VCF-style: chr7-145813937-C-T.
Identifiers: ClinVar variation 136838 (VCV000136838.5), dbSNP rs587780903, ClinGen allele CA290200.
Genomic context (GRCh38, chr7:146,116,845, plus strand): 5'-AGGACAGCCCATCTCCCTTCAAGAACCCTACGGAGAGTCGGACTGCATCTCCGCAGCGAG[C>T]TCTTGGAGCGCCGCCGGCCGGGAGGCGAAGGATGCAGGCGGCTCCGCGCGCCGGCTGCGG-3'

ClinVar aggregate classification (germline): Conflicting classifications of pathogenicity. Review status: criteria provided, conflicting classifications (1 of 4 stars). 2 submissions from 2 submitters: Uncertain significance (1); Benign (1). Last evaluated 2017-04-27.

Conditions:
Cortical dysplasia-focal epilepsy syndrome (PTHSL1). Also called: Pitt-Hopkins-like syndrome 1. Identifiers: Orphanet 163681, Orphanet 221150, MedGen C2750246, MONDO:0012400, OMIM 610042.

Allele frequency attached by ClinVar (database versions not stated): gnomAD 0.00001 and 0.00009; TOPMed 0.00003; gnomAD exomes 0.00028; 1000 Genomes Project 30x 0.00031; ExAC 0.00070.

Submissions (2):

Illumina Laboratory Services, Illumina
Classification: Uncertain significance for Cortical dysplasia-focal epilepsy syndrome. Last evaluated: 2017-04-27. Review status: criteria provided, single submitter. Criteria: ICSL Variant Classification Criteria 13 December 2019. Collection method: clinical testing. Allele origin: germline.

GeneDx
Classification: Benign. Last evaluated: 2014-04-01. Review status: criteria provided, single submitter. Criteria: GeneDx Variant Classification (06012015). Collection method: clinical testing. Allele origin: germline. Affected: yes.
Comment: This variant is considered likely benign or benign based on one or more of the following criteria: it is a conservative change, it occurs at a poorly conserved position in the protein, it is predicted to be benign by multiple in silico algorithms, and/or has population frequency not consistent with disease.